The following is an entry in ClinVar:

ClinVar aggregate classification (germline): Likely benign (1 of 4 stars; one submission).

gnomAD v4.1: 10 of 1,613,708 alleles (0.00062%); highest among the groups gnomAD compares: Admixed American, 0.005%; no homozygotes.

Submission:

CeGaT Center for Human Genetics Tuebingen
Classification: Likely benign. Last evaluated: 2025-04-01. Review status: criteria provided, single submitter. Criteria: CeGaT Center For Human Genetics Tuebingen Variant Classification Criteria Version 2. Collection method: clinical testing. Allele origin: germline. Affected: yes. Observed: 1 variant allele.
Comment: CTTNBP2: BP4, BP7

NM_033427.3(CTTNBP2):c.3618G>A (p.Ser1206=)

Gene: CTTNBP2 (cortactin binding protein 2; minus strand). Cytogenetic location: 7q31.31.
Variant type: single nucleotide variant.
Coding change: c.3618G>A on transcript NM_033427.3 (MANE Select); coding-DNA position 3618, G replaced by A.
Protein change: p.Ser1206=; no amino-acid change (serine 1206 retained).
Molecular consequence: synonymous variant.
Genome position (GRCh38, 1-based): chr7:117,735,339, C>T on the plus strand (G>A on the coding strand, the complement: CTTNBP2 is on the minus strand). VCF-style: chr7-117735339-C-T. GRCh37 (hg19) VCF-style: chr7-117375393-C-T.
Other names: c.3564G>A, p.Ser1188= (NM_001363349.1); c.1521G>A, p.Ser507= (NM_001363350.1, NM_001363351.1).
Identifiers: ClinVar variation 3905254 (VCV003905254.10).
Genomic context (GRCh38, chr7:117,735,339, plus strand): 5'-AGTGCAGGGGCTTTCAGTGCTGCGATTTTCAAGAGGTGCCAAAAAGTCCCTCAATAACTC[C>T]GACAGTGAAGATTTTTCTAAATTTTCTAAAATGATGATGATTTTCTTCTTACTGGGAGAT-3'
Protein context (NP_219499.1, residues 1196-1216): ILENLEKSSL[Ser1206=]ELLRDFLAPL